The following is an entry in ClinVar:

NM_004333.6(BRAF):c.55T>C (p.Phe19Leu)

Gene: BRAF (B-Raf proto-oncogene, serine/threonine kinase; minus strand). Cytogenetic location: 7q34.
Variant type: single nucleotide variant.
Coding change: c.55T>C on transcript NM_004333.6 (MANE Select); coding-DNA position 55, T replaced by C.
Protein change: p.Phe19Leu; replaces phenylalanine 19 with leucine.
Molecular consequence: missense variant.
Genome position (GRCh38, 1-based): chr7:140,924,649, A>G on the plus strand (T>C on the coding strand, the complement: BRAF is on the minus strand). VCF-style: chr7-140924649-A-G. GRCh37 (hg19) VCF-style: chr7-140624449-A-G.
Other names: c.55T>C, p.Phe19Leu (NM_001354609.2, NM_001374244.1, NM_001374258.1 and 7 more transcripts); short protein forms F19L.
Identifiers: ClinVar variation 2073675 (VCV002073675.4), dbSNP rs745476335, ClinGen allele CA4517047.

ClinVar aggregate classification (germline): Uncertain significance (1 of 4 stars; one submission).

Conditions:
RASopathy. Also called: rasopathies; Noonan spectrum disorder. Identifiers: Orphanet 536391, MedGen C5555857, MONDO:0021060.

Allele frequency attached by ClinVar (database versions not stated): gnomAD exomes below 0.00001; ExAC 0.00010.
gnomAD v4.1: 1 of 1,444,652 alleles (0.000069%); highest among the groups gnomAD compares: South Asian, 0.0012%; no homozygotes.

Submission:

Labcorp Genetics (formerly Invitae), Labcorp
Classification: Uncertain significance for RASopathy. Last evaluated: 2022-10-05. Review status: criteria provided, single submitter. Criteria: Invitae Variant Classification Sherloc (09022015). Collection method: clinical testing. Allele origin: germline.
Comment: In summary, the available evidence is currently insufficient to determine the role of this variant in disease. Therefore, it has been classified as a Variant of Uncertain Significance. Advanced modeling of protein sequence and biophysical properties (such as structural, functional, and spatial information, amino acid conservation, physicochemical variation, residue mobility, and thermodynamic stability) performed at Invitae indicates that this missense variant is not expected to disrupt BRAF protein function. This variant has not been reported in the literature in individuals affected with BRAF-related conditions. This variant is present in population databases (rs745476335, gnomAD 0.005%). This sequence change replaces phenylalanine, which is neutral and non-polar, with leucine, which is neutral and non-polar, at codon 19 of the BRAF protein (p.Phe19Leu).